The following is an entry in ClinVar:

ClinVar aggregate classification (germline): Likely pathogenic (1 of 4 stars; one submission).

Conditions:
Creatine transporter deficiency (CCDS1). Also called: Creatine Transporter (CRTR) Deficiency; Mental retardation , X-linked with seizures, short stature and midface hypoplasia; Mental retardation , X-linked, with creatine transport deficiency; X-linked creatine transporter deficiency; X-linked creatine deficiency syndrome; SLC6A8-Related Creatine Transporter Deficiency. Identifiers: Orphanet 52503, MedGen C1845862, MONDO:0010305, OMIM 300352.

Submission:

Women's Health and Genetics/Laboratory Corporation of America, LabCorp
Classification: Likely pathogenic for Creatine transporter deficiency. Last evaluated: 2022-06-15. Review status: criteria provided, single submitter. Criteria: LabCorp Variant Classification Summary - May 2015. Collection method: clinical testing. Allele origin: germline.
Comment: Variant summary: SLC6A8 c.101_102insGC (p.Asp35ProfsX63) results in a premature termination codon, predicted to cause a truncation of the encoded protein or absence of the protein due to nonsense mediated decay, which are commonly known mechanisms for disease. Truncations downstream of this position have been classified as pathogenic within ClinVar (e.g. c.570_571del [p.Ala191fs]; c.249C>A [p.Tyr83Ter]). The variant was absent in 64319 control chromosomes (gnomAD). To our knowledge, no occurrence of c.101_102insGC in individuals affected with Creatine Deficiency, X-Linked and no experimental evidence demonstrating its impact on protein function have been reported. No clinical diagnostic laboratories have submitted clinical-significance assessments for this variant to ClinVar after 2014. Based on the evidence outlined above, the variant was classified as likely pathogenic.

NM_005629.4(SLC6A8):c.101_102insGC (p.Asp35fs)

Gene: SLC6A8 (solute carrier family 6 member 8; plus strand). Cytogenetic location: Xq28.
Variant type: Insertion.
Coding change: c.101_102insGC on transcript NM_005629.4 (MANE Select); coding-DNA positions 101 to 102, GC inserted.
Protein change: p.Asp35fs; shifts the reading frame from aspartic acid 35.
Molecular consequence: frameshift variant.
Genome position: GRCh38 VCF-style: chrX-153688675-G-GGC. GRCh37 (hg19) VCF-style: chrX-152954130-G-GGC.
Other names: c.101_102insGC, p.Asp35fs (NM_001142805.2); short protein forms D35fs.
Identifiers: ClinVar variation 1698569 (VCV001698569.1), dbSNP rs2148358474, ClinGen allele CA2580101669.